The following is an entry in ClinVar:

ClinVar aggregate classification (germline): Uncertain significance. Review status: criteria provided, multiple submitters, no conflicts (2 of 4 stars). 3 submissions from 3 submitters: Uncertain significance (3). Last evaluated 2026-02-01.

Conditions:
Familial cold autoinflammatory syndrome 3 (FCAS3). Also called: FAMILIAL ATYPICAL COLD URTICARIA; ANTIBODY DEFICIENCY AND IMMUNE DYSREGULATION, PLCG2-ASSOCIATED. Identifiers: Orphanet 300359, MedGen C3280914, MONDO:0013766, OMIM 614468.
Autoinflammation-PLCG2-associated antibody deficiency-immune dysregulation. Also called: AUTOINFLAMMATION, ANTIBODY DEFICIENCY, AND IMMUNE DYSREGULATION; Autoinflammation, antibody deficiency, and immune dysregulation syndrome; Autoinflammation, antibody deficiency, and immune dysregulation, plcg2-associated. Identifiers: Orphanet 324530, MedGen C3553961, MONDO:0013944, OMIM 614878.

Allele frequency attached by ClinVar (database versions not stated): gnomAD 0.00001 and 0.00003; TOPMed 0.00003; 1000 Genomes Project 0.00060; 1000 Genomes Project 30x 0.00062.
gnomAD v4.1: 27 of 1,613,806 alleles (0.0017%); highest among the groups gnomAD compares: African/African-American, 0.015%; no homozygotes.

Submissions (3):

Labcorp Genetics (formerly Invitae), Labcorp
Classification: Uncertain significance for Familial cold autoinflammatory syndrome 3. Last evaluated: 2026-02-01. Review status: criteria provided, single submitter. Criteria: Invitae Variant Classification Sherloc (09022015). Collection method: clinical testing. Allele origin: germline.
Comment: This sequence change replaces proline, which is neutral and non-polar, with alanine, which is neutral and non-polar, at codon 523 of the PLCG2 protein (p.Pro523Ala). This variant is present in population databases (rs574435526, gnomAD 0.03%). This variant has not been reported in the literature in individuals affected with PLCG2-related conditions. ClinVar contains an entry for this variant (Variation ID: 935605). An algorithm developed to predict the effect of missense changes on protein structure and function outputs the following: PolyPhen-2: "Benign". The alanine amino acid residue is found in multiple mammalian species, which suggests that this missense change does not adversely affect protein function. In summary, the available evidence is currently insufficient to determine the role of this variant in disease. Therefore, it has been classified as a Variant of Uncertain Significance.

Mayo Clinic Laboratories, Mayo Clinic
Classification: Uncertain significance. Last evaluated: 2025-01-15. Review status: criteria provided, single submitter. Criteria: ACMG Guidelines, 2015. Collection method: clinical testing. Allele origin: germline. Observed: 1 variant allele.

Fulgent Genetics
Classification: Uncertain significance for Familial cold autoinflammatory syndrome 3; Autoinflammation-PLCG2-associated antibody deficiency-immune dysregulation. Last evaluated: 2022-03-04. Review status: criteria provided, single submitter. Criteria: ACMG Guidelines, 2015. Collection method: clinical testing. Allele origin: unknown.

NM_002661.5(PLCG2):c.1567C>G (p.Pro523Ala)

Gene: PLCG2 (phospholipase C gamma 2; plus strand). Cytogenetic location: 16q23.3.
Variant type: single nucleotide variant.
Coding change: c.1567C>G on transcript NM_002661.5 (MANE Select); coding-DNA position 1567, C replaced by G.
Protein change: p.Pro523Ala; replaces proline 523 with alanine.
Molecular consequence: missense variant.
Genome position (GRCh38, 1-based): chr16:81,908,425, C>G. VCF-style: chr16-81908425-C-G. GRCh37 (hg19) VCF-style: chr16-81942030-C-G.
Other names: p.Pro523Ala; short protein forms P523A.
Identifiers: ClinVar variation 935605 (VCV000935605.12), dbSNP rs574435526, ClinGen allele CA8193859.